The following is an entry in ClinVar:

ClinVar aggregate classification (germline): Uncertain significance (1 of 4 stars; one submission).

Conditions:
Autosomal recessive severe congenital neutropenia due to CSF3R deficiency. Also called: Neutropenia, severe congenital, 7, autosomal recessive. Identifiers: Orphanet 420702, MedGen C4310764, MONDO:0014865, OMIM 617014.

Submission:

Labcorp Genetics (formerly Invitae), Labcorp
Classification: Uncertain significance for Autosomal recessive severe congenital neutropenia due to CSF3R deficiency. Last evaluated: 2026-01-12. Review status: criteria provided, single submitter. Criteria: Invitae Variant Classification Sherloc (09022015). Collection method: clinical testing. Allele origin: germline.
Comment: This sequence change replaces glycine, which is neutral and non-polar, with tryptophan, which is neutral and slightly polar, at codon 72 of the CSF3R protein (p.Gly72Trp). This variant is present in population databases (no rsID available, gnomAD 0.0009%). This variant has not been reported in the literature in individuals affected with CSF3R-related conditions. ClinVar contains an entry for this variant (Variation ID: 1403881). Invitae Evidence Modeling of protein sequence and biophysical properties (such as structural, functional, and spatial information, amino acid conservation, physicochemical variation, residue mobility, and thermodynamic stability) indicates that this missense variant is expected to disrupt CSF3R protein function with a positive predictive value of 80%. In summary, the available evidence is currently insufficient to determine the role of this variant in disease. Therefore, it has been classified as a Variant of Uncertain Significance.

NM_000760.4(CSF3R):c.214G>T (p.Gly72Trp)

Gene: CSF3R (colony stimulating factor 3 receptor; minus strand). Cytogenetic location: 1p34.3.
Variant type: single nucleotide variant.
Coding change: c.214G>T on transcript NM_000760.4 (MANE Select); coding-DNA position 214, G replaced by T.
Protein change: p.Gly72Trp; replaces glycine 72 with tryptophan.
Molecular consequence: missense variant.
Genome position (GRCh38, 1-based): chr1:36,475,524, C>A on the plus strand (G>T on the coding strand, the complement: CSF3R is on the minus strand). VCF-style: chr1-36475524-C-A. GRCh37 (hg19) VCF-style: chr1-36941125-C-A.
Other names: c.214G>T, p.Gly72Trp (NM_156039.3, NM_172313.3); short protein forms G72W.
Identifiers: ClinVar variation 1403881 (VCV001403881.8), dbSNP rs375879178, ClinGen allele CA339424949.